The following is an entry in ClinVar:

NM_004531.5(MOCS2):c.128C>A (p.Ser43Tyr)

Gene: MOCS2 (molybdenum cofactor synthesis 2; minus strand). Cytogenetic location: 5q11.2.
Variant type: single nucleotide variant.
Coding change: c.128C>A on transcript NM_004531.5 (MANE Select); coding-DNA position 128, C replaced by A.
Protein change: p.Ser43Tyr; replaces serine 43 with tyrosine.
Molecular consequence: missense variant. On other transcripts: 3 prime UTR variant (1).
Genome position (GRCh38, 1-based): chr5:53,102,195, G>T on the plus strand (C>A on the coding strand, the complement: MOCS2 is on the minus strand). VCF-style: chr5-53102195-G-T. GRCh37 (hg19) VCF-style: chr5-52398025-G-T.
Other names: c.*48C>A (NM_176806.4); short protein forms S43Y.
Identifiers: ClinVar variation 1501524 (VCV001501524.8), dbSNP rs371126072, ClinGen allele CA3263710.

ClinVar aggregate classification (germline): Uncertain significance (1 of 4 stars; one submission).

Allele frequency attached by ClinVar (database versions not stated): TOPMed below 0.00001; ExAC 0.00001; gnomAD 0.00001; gnomAD exomes 0.00001; ESP Exome Variant Server 0.00008.
gnomAD v4.1: 18 of 1,611,898 alleles (0.0011%); highest among the groups gnomAD compares: Non-Finnish European, 0.0015%; no homozygotes.

Submission:

Labcorp Genetics (formerly Invitae), Labcorp
Classification: Uncertain significance. Last evaluated: 2021-01-09. Review status: criteria provided, single submitter. Criteria: Invitae Variant Classification Sherloc (09022015). Collection method: clinical testing. Allele origin: germline.
Comment: In summary, the available evidence is currently insufficient to determine the role of this variant in disease. Therefore, it has been classified as a Variant of Uncertain Significance. Algorithms developed to predict the effect of missense changes on protein structure and function are either unavailable or do not agree on the potential impact of this missense change (SIFT: "Deleterious"; PolyPhen-2: "Benign"; Align-GVGD: "Class C15"). This variant has not been reported in the literature in individuals with MOCS2B-related conditions. This variant is present in population databases (rs371126072, ExAC 0.002%). This sequence change replaces serine with tyrosine at codon 43 of the MOCS2B protein (p.Ser43Tyr). The serine residue is weakly conserved and there is a large physicochemical difference between serine and tyrosine.